The following is an entry in ClinVar:

ClinVar aggregate classification (germline): Uncertain significance (1 of 4 stars; one submission).

Conditions:
Myofibrillar myopathy 4. Also called: Zaspopathy (type). Identifiers: Orphanet 98912, MedGen C4721886, MONDO:0012277, OMIM 609452.

Allele frequency attached by ClinVar (database versions not stated): gnomAD exomes below 0.00001; ExAC 0.00001; gnomAD 0.00001; TOPMed 0.00001.
gnomAD v4.1: 2 of 1,612,836 alleles (0.00012%); highest among the groups gnomAD compares: East Asian, 0.0045%; no homozygotes.

Submission:

Labcorp Genetics (formerly Invitae), Labcorp
Classification: Uncertain significance for Myofibrillar myopathy 4. Last evaluated: 2023-09-10. Review status: criteria provided, single submitter. Criteria: Invitae Variant Classification Sherloc (09022015). Collection method: clinical testing. Allele origin: germline.
Comment: The LDB3 gene has multiple clinically relevant transcripts. This variant occurs in alternate transcript NM_007078.3, and corresponds to NM_001080116.1:c.*7287A>G in the primary transcript. In summary, the available evidence is currently insufficient to determine the role of this variant in disease. Therefore, it has been classified as a Variant of Uncertain Significance. Experimental studies and prediction algorithms are not available or were not evaluated, and the functional significance of this variant is currently unknown. This variant has not been reported in the literature in individuals affected with LDB3-related conditions. This variant is present in population databases (rs764961385, gnomAD 0.01%). This sequence change replaces threonine, which is neutral and polar, with alanine, which is neutral and non-polar, at codon 343 of the LDB3 protein (p.Thr343Ala).

NM_007078.3(LDB3):c.1027A>G (p.Thr343Ala)

Gene: LDB3 (LIM domain binding 3; plus strand). Cytogenetic location: 10q23.2.
Variant type: single nucleotide variant.
Coding change: c.1027A>G on transcript NM_007078.3 (MANE Select); coding-DNA position 1027, A replaced by G.
Protein change: p.Thr343Ala; replaces threonine 343 with alanine.
Molecular consequence: missense variant. On other transcripts: intron variant (4).
Genome position (GRCh38, 1-based): chr10:86,706,661, A>G. VCF-style: chr10-86706661-A-G. GRCh37 (hg19) VCF-style: chr10-88466418-A-G.
Other names: c.886A>G, p.Thr296Ala (NM_001368066.1); c.897-3244A>G (NM_001368064.1, NM_001368065.1); c.1101-3244A>G (NM_001171610.2); c.756-3244A>G (NM_001080114.2); short protein forms T343A, T296A.
Identifiers: ClinVar variation 2962637 (VCV002962637.3), dbSNP rs764961385, ClinGen allele CA5585033.
Genomic context (GRCh38, chr10:86,706,661, plus strand): 5'-CCACCTGCTGCTGCCTCTCCCAGTGCGGCTTCGCCACCCCTGGCCACAGCTGCTGCCCAC[A>G]CTGCCATCGCCTCCGCCTCCACCACAGCCCCTGCTTCAAGTCCTGCCGACAGCCCAAGGT-3'
Protein context (NP_009009.1, residues 333-353): SPPLATAAAH[Thr343Ala]AIASASTTAP